The following is an entry in ClinVar:

NM_015102.5(NPHP4):c.378G>C (p.Leu126Phe)

Gene: NPHP4 (nephrocystin 4; minus strand). Cytogenetic location: 1p36.31.
Variant type: single nucleotide variant.
Coding change: c.378G>C on transcript NM_015102.5 (MANE Select); coding-DNA position 378, G replaced by C.
Protein change: p.Leu126Phe; replaces leucine 126 with phenylalanine.
Molecular consequence: missense variant. On other transcripts: 5 prime UTR variant (2), non-coding transcript variant (1).
Genome position (GRCh38, 1-based): chr1:5,969,161, C>G on the plus strand (G>C on the coding strand, the complement: NPHP4 is on the minus strand). VCF-style: chr1-5969161-C-G. GRCh37 (hg19) VCF-style: chr1-6029221-C-G.
Other names: c.-852G>C (NM_001291593.2); c.-989G>C (NM_001291594.2); short protein forms L126F.
Identifiers: ClinVar variation 4987363 (VCV004987363.1).
Genomic context (GRCh38, chr1:5,969,161, plus strand): 5'-AGCAGAGATAGGAGAGTCCGGCTGGTTGCTGAAGATCCGAAGAATTCCAAACCCACAGGA[C>G]AATGTCTGGAGGCTCCCATCCCGTTTCTTGCCCTCAGCGACCACTTCCACCACAGCCACG-3'
Protein context (NP_055917.1, residues 116-136): GKKRDGSLQT[Leu126Phe]SCGFGILRIF

ClinVar aggregate classification (germline): Uncertain significance (1 of 4 stars; one submission).

Conditions:
NPHP4-related disorder. Also called: NPHP4-related condition; NPHP4-related disorders. Identifiers: MedGen CN239384.

gnomAD v4.1: 2 of 1,558,662 alleles (0.00013%); highest among the groups gnomAD compares: Non-Finnish European, 0.000087%; no homozygotes.

Submission:

PreventionGenetics, part of Exact Sciences
Classification: Uncertain significance for NPHP4-related condition. Last evaluated: 2025-10-23. Review status: criteria provided, single submitter. Criteria: ACMG Guidelines, 2015. Collection method: clinical testing. Allele origin: germline.
Comment: The NPHP4 c.378G>C variant is predicted to result in the amino acid substitution p.Leu126Phe. To our knowledge, this variant has not been reported in the literature or in a large population database (gnomAD), indicating this variant is rare. At this time, the clinical significance of this variant is uncertain due to the absence of conclusive functional and genetic evidence.